The following is an entry in ClinVar:

NC_012920.1(MT-ND5):m.13933A>G

Gene: MT-ND5 (mitochondrially encoded NADH dehydrogenase 5; plus strand).
Variant type: single nucleotide variant.
Genome position: chrM-13933-A-G.
Identifiers: ClinVar variation 693637 (VCV000693637.1), dbSNP rs879235634, ClinGen allele CA337099858.
Genomic context (GRCh38, chrMT:13,933, plus strand): 5'-ATAAAATCCCCACTATGCACATTTTATTTCTCCAACATACTCGGATTCTACCCTAGCATC[A>G]CACACCGCACAATCCCCTATCTAGGCCTTCTTACGAGCCAAAACCTGCCCCTACTCCTCC-3'

ClinVar aggregate classification (germline): Benign (1 of 4 stars; one submission).

Conditions:
Leigh syndrome (NULS). Also called: Leigh's necrotizing encephalopathy; Leigh's disease; Leigh's syndrome; LEIGH SYNDROME, NUCLEAR; Leigh Syndrome (mtDNA deletion); Leigh Disease. Identifiers: Orphanet 506, MedGen C2931891, MONDO:0009723, OMIM 256000.

Submission:

Wong Mito Lab, Molecular and Human Genetics, Baylor College of Medicine
Classification: Benign for Leigh syndrome. Last evaluated: 2019-10-17. Review status: criteria provided, single submitter. Criteria: Modified ACMG Guidelines (Unpublished). Collection method: clinical testing. Allele origin: germline.
Comment: The NC_012920.1:m.13933A>G (YP_003024036.1:p.Thr533Ala) variant in MTND5 gene is interpretated to be a Benign variant based on the modified ACMG guidelines (unpublished). This variant meets the following evidence codes: BS1, BS2, BP4